The following is an entry in ClinVar:

NM_022124.6(CDH23):c.1078C>T (p.Leu360=)

Gene: CDH23 (cadherin related 23; plus strand). Cytogenetic location: 10q22.1.
Variant type: single nucleotide variant.
Coding change: c.1078C>T on transcript NM_022124.6 (MANE Select); coding-DNA position 1078, C replaced by T.
Protein change: p.Leu360=; no amino-acid change (leucine 360 retained).
Molecular consequence: synonymous variant.
Genome position (GRCh38, 1-based): chr10:71,617,337, C>T. VCF-style: chr10-71617337-C-T. GRCh37 (hg19) VCF-style: chr10-73377094-C-T.
Other names: c.1078C>T, p.Leu360= (NM_001171930.2, NM_001171931.2, NM_001171932.2 and 1 more transcripts).
Identifiers: ClinVar variation 45861 (VCV000045861.52), dbSNP rs185917383, ClinGen allele CA137257.

ClinVar aggregate classification (germline): Benign/Likely benign. Review status: criteria provided, multiple submitters, no conflicts (2 of 4 stars). 11 submissions from 10 submitters: Benign (5); Likely benign (2). 4 of the submissions do not count toward it. Last evaluated 2026-02-04.

Conditions:
Usher syndrome type 1 (USH1). Also called: RETINITIS PIGMENTOSA AND CONGENITAL DEAFNESS. Identifiers: Orphanet 231169, Orphanet 886, MedGen C1568247, MONDO:0010168, OMIM 276900.
Autosomal recessive nonsyndromic hearing loss 12. Also called: DEAFNESS, AUTOSOMAL RECESSIVE 12. Identifiers: Orphanet 90636, MedGen C1832394, MONDO:0011067, OMIM 601386.
Usher syndrome type 1D (USH1D). Also called: USHER SYNDROME, TYPE ID. Identifiers: Orphanet 231169, Orphanet 886, MedGen C1832845, MONDO:0010984, OMIM 601067.

Allele frequency attached by ClinVar (database versions not stated): gnomAD 0.00048 and 0.00093; ESP Exome Variant Server 0.00069; TOPMed 0.00073; gnomAD exomes 0.00126 and 0.00236; ExAC 0.00267; 1000 Genomes Project 30x 0.00344; 1000 Genomes Project 0.00379.
gnomAD v4.1: 2,009 of 1,613,976 alleles (0.12%); highest among the groups gnomAD compares: South Asian, 1.4%; 29 homozygotes.

Submissions (11):

Labcorp Genetics (formerly Invitae), Labcorp
Classification: Benign. Last evaluated: 2026-02-04. Review status: criteria provided, single submitter. Criteria: Invitae Variant Classification Sherloc (09022015). Collection method: clinical testing. Allele origin: germline.

CeGaT Center for Human Genetics Tuebingen
Classification: Benign. Last evaluated: 2024-07-01. Review status: criteria provided, single submitter. Criteria: CeGaT Center For Human Genetics Tuebingen Variant Classification Criteria Version 2. Collection method: clinical testing. Allele origin: germline. Affected: yes. Observed: 3 variant alleles.
Comment: CDH23: BP4, BS1, BS2

Genome-Nilou Lab
Classification: Likely benign for Usher syndrome type 1D. Last evaluated: 2021-06-10. Review status: criteria provided, single submitter. Criteria: ACMG Guidelines, 2015. Collection method: clinical testing. Allele origin: germline. Affected: no.

GeneDx
Classification: Benign. Last evaluated: 2019-06-20. Review status: criteria provided, single submitter. Criteria: GeneDx Variant Classification Process June 2021. Collection method: clinical testing. Allele origin: germline. Affected: yes.

Illumina Laboratory Services, Illumina
Classification: Likely benign for Usher syndrome type 1D. Last evaluated: 2018-01-12. Review status: criteria provided, single submitter. Criteria: ICSL Variant Classification Criteria 13 December 2019. Collection method: clinical testing. Allele origin: germline.
Comment: This variant was observed in the ICSL laboratory as part of a predisposition screen in an ostensibly healthy population. It had not been previously curated by ICSL or reported in the Human Gene Mutation Database (HGMD: prior to June 1st, 2018), and was therefore a candidate for classification through an automated scoring system. Utilizing variant allele frequency, disease prevalence and penetrance estimates, and inheritance mode, an automated score was calculated to assess if this variant is too frequent to cause the disease. Based on the score and internal cut-off values, a variant classified as likely benign is not then subjected to further curation. The score for this variant resulted in a classification of likely benign for this disease.

Eurofins Ntd Llc (ga)
Classification: Benign. Last evaluated: 2016-02-04. Review status: criteria provided, single submitter. Criteria: EGL Classification Definitions 2015. Collection method: clinical testing. Allele origin: germline. Observed: 1 variant allele, 1 heterozygote.

Laboratory for Molecular Medicine, Mass General Brigham Personalized Medicine
Classification: Benign. Last evaluated: 2015-07-01. Review status: criteria provided, single submitter. Criteria: LMM Criteria. Collection method: clinical testing. Allele origin: germline. Observed: 9 variant alleles.
Comment: p.Leu360Leu in Exon 11A of CDH23: This variant is not expected to have clinical significance because it does not alter an amino acid residue, is not located wit hin the splice consensus sequence, and has been identified in 1.5% (246/16450) o f South Asian chromosomes from a broad population by the Exome Aggregation Conso rtium (ExAC; dbSNP rs185917383).

Natera, Inc.
Classification: Benign for Usher syndrome type 1. Last evaluated: 2019-10-22. Review status: no assertion criteria provided. Collection method: clinical testing. Allele origin: germline. Not counted in ClinVar's aggregate classification.

Clinical Genetics DNA and cytogenetics Diagnostics Lab, Erasmus MC, Erasmus Medical Center
Classification: Benign. Review status: no assertion criteria provided. Collection method: clinical testing. Allele origin: germline. Affected: yes. Study: VKGL Data-share Consensus. Not counted in ClinVar's aggregate classification.

Clinical Genetics, Academic Medical Center
Classification: Benign. Review status: no assertion criteria provided. Collection method: clinical testing. Allele origin: germline. Affected: yes. Study: VKGL Data-share Consensus. Not counted in ClinVar's aggregate classification.

Illumina Laboratory Services, Illumina
Classification: Uncertain significance for Autosomal recessive nonsyndromic hearing loss 12. Last evaluated: 2018-01-12. Review status: flagged submission. Criteria: ICSL Variant Classification Criteria 13 December 2019. Collection method: clinical testing. Allele origin: germline. Not counted in ClinVar's aggregate classification.
ClinVar note: Notes: Unnecessary VUS claim for distinct condition when other interpretations are benign
ClinVar note: Reason: Other